The following is an entry in ClinVar:

NM_138386.3(NAF1):c.1274C>G (p.Pro425Arg)

Gene: NAF1 (nuclear assembly factor 1 ribonucleoprotein; minus strand). Cytogenetic location: 4q32.2.
Variant type: single nucleotide variant.
Coding change: c.1274C>G on transcript NM_138386.3 (MANE Select); coding-DNA position 1274, C replaced by G.
Protein change: p.Pro425Arg; replaces proline 425 with arginine.
Molecular consequence: missense variant. On other transcripts: intron variant (1).
Genome position (GRCh38, 1-based): chr4:163,129,108, G>C on the plus strand (C>G on the coding strand, the complement: NAF1 is on the minus strand). VCF-style: chr4-163129108-G-C. GRCh37 (hg19) VCF-style: chr4-164050260-G-C.
Other names: p.Pro425Arg; c.1034-1993C>G (NM_001128931.2); short protein forms P425R.
Identifiers: ClinVar variation 4541018 (VCV004541018.2).
Genomic context (GRCh38, chr4:163,129,108, plus strand): 5'-GGGGGTGGTGGTGGGGGTGGAGGGCGGAGGGGAAAATTATGCATGTCAAACACTGGAAGA[G>C]GAAAGGGGTATTGTGGCATAATGGGATTATTTTGTCTCTGAGAAGGAAATCCTGAAGTCT-3'
Protein context (NP_612395.2, residues 415-435): NNPIMPQYPF[Pro425Arg]LPVFDMHNFP

ClinVar aggregate classification (germline): Uncertain significance. Review status: criteria provided, multiple submitters, no conflicts (2 of 4 stars). 2 submissions from 2 submitters: Uncertain significance (2). Last evaluated 2025-09-22.

gnomAD v4.1: 29 of 1,612,696 alleles (0.0018%); highest among the groups gnomAD compares: Non-Finnish European, 0.0024%; no homozygotes.

Submissions (2):

Mayo Clinic Laboratories, Mayo Clinic
Classification: Uncertain significance. Last evaluated: 2025-09-22. Review status: criteria provided, single submitter. Criteria: ACMG Guidelines, 2015. Collection method: clinical testing. Allele origin: germline. Observed: 1 variant allele.
Comment: BP4_moderate

Labcorp Genetics (formerly Invitae), Labcorp
Classification: Uncertain significance. Last evaluated: 2025-08-17. Review status: criteria provided, single submitter. Criteria: Invitae Variant Classification Sherloc (09022015). Collection method: clinical testing. Allele origin: germline.
Comment: This sequence change replaces proline, which is neutral and non-polar, with arginine, which is basic and polar, at codon 425 of the NAF1 protein (p.Pro425Arg). This variant is present in population databases (rs779066721, gnomAD 0.004%). This variant has not been reported in the literature in individuals affected with NAF1-related conditions. An algorithm developed to predict the effect of missense changes on protein structure and function (PolyPhen-2) suggests that this variant is likely to be disruptive. In summary, the available evidence is currently insufficient to determine the role of this variant in disease. Therefore, it has been classified as a Variant of Uncertain Significance.